The following is an entry in ClinVar:

NM_001080.3(ALDH5A1):c.1285A>T (p.Thr429Ser)

Gene: ALDH5A1 (aldehyde dehydrogenase 5 family member A1; plus strand). Cytogenetic location: 6p22.3.
Variant type: single nucleotide variant.
Coding change: c.1285A>T on transcript NM_001080.3 (MANE Select); coding-DNA position 1285, A replaced by T.
Protein change: p.Thr429Ser; replaces threonine 429 with serine.
Molecular consequence: missense variant.
Genome position (GRCh38, 1-based): chr6:24,528,108, A>T. VCF-style: chr6-24528108-A-T. GRCh37 (hg19) VCF-style: chr6-24528336-A-T.
Other names: c.1141A>T, p.Thr381Ser (NM_001368954.1); c.1324A>T, p.Thr442Ser (NM_170740.1); short protein forms T442S, T381S, T429S.
Identifiers: ClinVar variation 864477 (VCV000864477.9), dbSNP rs1283096489, ClinGen allele CA362978670.

ClinVar aggregate classification (germline): Uncertain significance. Review status: criteria provided, multiple submitters, no conflicts (2 of 4 stars). 2 submissions from 2 submitters: Uncertain significance (2). Last evaluated 2024-02-21.

Conditions:
Succinate-semialdehyde dehydrogenase deficiency (SSADHD). Also called: 4-HYDROXYBUTYRIC ACIDURIA; SSADH DEFICIENCY; Succinic Semialdehyde Dehydrogenase Deficiency; GABA METABOLIC DEFECT. Identifiers: Orphanet 22, MedGen C0268631, MONDO:0010083, OMIM 271980.
Inborn genetic diseases. Identifiers: MedGen C0950123, MeSH D030342.

Allele frequency attached by ClinVar (database versions not stated): gnomAD exomes below 0.00001 and 0.00001; TOPMed 0.00005; gnomAD 0.00006.
gnomAD v4.1: 14 of 1,613,940 alleles (0.00087%); highest among the groups gnomAD compares: African/African-American, 0.019%; no homozygotes.

Submissions (2):

Ambry Genetics
Classification: Uncertain significance for Inborn genetic diseases. Last evaluated: 2024-02-21. Review status: criteria provided, single submitter. Criteria: Ambry Variant Classification Scheme 2023. Collection method: clinical testing. Allele origin: germline.

Labcorp Genetics (formerly Invitae), Labcorp
Classification: Uncertain significance for Succinate-semialdehyde dehydrogenase deficiency. Last evaluated: 2023-10-13. Review status: criteria provided, single submitter. Criteria: Invitae Variant Classification Sherloc (09022015). Collection method: clinical testing. Allele origin: germline.
Comment: This sequence change replaces threonine, which is neutral and polar, with serine, which is neutral and polar, at codon 429 of the ALDH5A1 protein (p.Thr429Ser). This variant is present in population databases (no rsID available, gnomAD 0.02%). This variant has not been reported in the literature in individuals affected with ALDH5A1-related conditions. ClinVar contains an entry for this variant (Variation ID: 864477). Advanced modeling of protein sequence and biophysical properties (such as structural, functional, and spatial information, amino acid conservation, physicochemical variation, residue mobility, and thermodynamic stability) performed at Invitae indicates that this missense variant is not expected to disrupt ALDH5A1 protein function. In summary, the available evidence is currently insufficient to determine the role of this variant in disease. Therefore, it has been classified as a Variant of Uncertain Significance.